The following is an entry in ClinVar:

ClinVar aggregate classification (germline): Uncertain significance (1 of 4 stars; one submission).

Conditions:
Peutz-Jeghers syndrome (PJS). Also called: POLYPOSIS, HAMARTOMATOUS INTESTINAL; POLYPS-AND-SPOTS SYNDROME; Peutz-Jeghers polyposis; Periorificial lentiginosis syndrome. Identifiers: Orphanet 2869, MedGen C0031269, MeSH D010580, MONDO:0008280, OMIM 175200.

Submission:

Labcorp Genetics (formerly Invitae), Labcorp
Classification: Uncertain significance for Peutz-Jeghers syndrome. Last evaluated: 2023-09-04. Review status: criteria provided, single submitter. Criteria: Invitae Variant Classification Sherloc (09022015). Collection method: clinical testing. Allele origin: germline.
Comment: In summary, the available evidence is currently insufficient to determine the role of this variant in disease. Therefore, it has been classified as a Variant of Uncertain Significance. Advanced modeling of protein sequence and biophysical properties (such as structural, functional, and spatial information, amino acid conservation, physicochemical variation, residue mobility, and thermodynamic stability) performed at Invitae indicates that this missense variant is not expected to disrupt STK11 protein function. This missense change has been observed in individual(s) with a personal or family history of suspected Lynch syndrome (PMID: 25980754). This variant is not present in population databases (gnomAD no frequency). This sequence change replaces phenylalanine, which is neutral and non-polar, with leucine, which is neutral and non-polar, at codon 298 of the STK11 protein (p.Phe298Leu).

Literature cited by the submitters: PubMed 25980754.

NM_000455.5(STK11):c.892T>C (p.Phe298Leu)

Gene: STK11 (serine/threonine kinase 11; plus strand). Cytogenetic location: 19p13.3.
Variant type: single nucleotide variant.
Coding change: c.892T>C on transcript NM_000455.5 (MANE Select); coding-DNA position 892, T replaced by C.
Protein change: p.Phe298Leu; replaces phenylalanine 298 with leucine.
Molecular consequence: missense variant. On other transcripts: non-coding transcript variant (1).
Genome position (GRCh38, 1-based): chr19:1,221,978, T>C. VCF-style: chr19-1221978-T-C. GRCh37 (hg19) VCF-style: chr19-1221977-T-C.
Other names: c.892T>C, p.Phe298Leu (NM_001407255.1); short protein forms F298L.
Identifiers: ClinVar variation 2757989 (VCV002757989.3), dbSNP rs2145428761, ClinGen allele CA402951246.